The following is an entry in ClinVar:

NM_000138.5(FBN1):c.4082G>A (p.Cys1361Tyr)

Gene: FBN1 (fibrillin 1; minus strand). Cytogenetic location: 15q21.1.
Variant type: single nucleotide variant.
Coding change: c.4082G>A on transcript NM_000138.5 (MANE Select); coding-DNA position 4082, G replaced by A.
Protein change: p.Cys1361Tyr; replaces cysteine 1361 with tyrosine.
Molecular consequence: missense variant.
Genome position (GRCh38, 1-based): chr15:48,474,533, C>T on the plus strand (G>A on the coding strand, the complement: FBN1 is on the minus strand). VCF-style: chr15-48474533-C-T. GRCh37 (hg19) VCF-style: chr15-48766730-C-T.
Other names: short protein forms C1361Y.
Identifiers: ClinVar variation 519726 (VCV000519726.28), dbSNP rs1555397704, ClinGen allele CA392320408.

ClinVar aggregate classification (germline): Pathogenic. Review status: criteria provided, multiple submitters, no conflicts (2 of 4 stars). 5 submissions from 5 submitters: Pathogenic (4). 1 of the submissions does not count toward it. Last evaluated 2023-08-28.

Conditions:
Familial thoracic aortic aneurysm and aortic dissection (TAAD). Also called: Thoracic aortic aneurysms and dissections. Identifiers: Orphanet 91387, MedGen C4707243, MONDO:0019625.
Marfan syndrome (MFS). Also called: Marfan syndrome type 1; Marfan syndrome, classic; Marfan's syndrome; FBN1-Related Marfan Syndrome; MARFAN SYNDROME, TYPE I. Identifiers: Orphanet 284963, Orphanet 558, MedGen C0024796, MONDO:0007947, OMIM 154700.

Submissions (5):

Clinical Genomics Laboratory, Stanford Medicine
Classification: Pathogenic for Marfan syndrome. Last evaluated: 2023-08-28. Review status: criteria provided, single submitter. Criteria: ACMG Guidelines, 2015. Collection method: clinical testing. Allele origin: germline. Inheritance: Autosomal dominant inheritance. Affected: yes. Observed: 1 variant allele, 1 heterozygote.
Comment: The p.Cys1361Tyr variant in the FBN1 gene has been previously reported in individuals diagnosed with Marfan syndrome (PMID: 10486319; PMID: 17850668; PMID: 28925368; PMID: 35058154). This variant was absent from large population databases, including the Genome Aggregation Database. This variant is present in ClinVar (VCV000519726.26). This variant affects a cysteine residue within a cb-EGF-like domain of the FBN1 protein. Similar variants are known to be associated with disease (PMID: 29875124). Functional studies of the p.Cys1361Tyr variant demonstrated that this variant results in reduced fibrillin synthesis and deposition (PMID: 10486319). The cysteine at position 1361 is strongly evolutionarily conserved. Computational tools predict that the p. Cys1361Tyr variant is deleterious; however, the accuracy of in silico algorithms is limited. These data were assessed using the ACMG/AMP variant interpretation guidelines. In summary, there is sufficient evidence to classify the p.Cys1361Tyr variant as pathogenic for autosomal dominant Marfan syndrome based on the information above. [ACMG evidence codes used: PM1_Strong; PS4_Moderate; PM2; PP3; PP4]

Labcorp Genetics (formerly Invitae), Labcorp
Classification: Pathogenic for Marfan syndrome; Familial thoracic aortic aneurysm and aortic dissection. Last evaluated: 2022-02-10. Review status: criteria provided, single submitter. Criteria: Invitae Variant Classification Sherloc (09022015). Collection method: clinical testing. Allele origin: germline.
Comment: This missense change has been observed in individual(s) with FBN1-related conditions (PMID: 10486319). It has also been observed to segregate with disease in related individuals. For these reasons, this variant has been classified as Pathogenic. This variant affects a cysteine residue in the EGF-like, TGFBP or hybrid motif domains of FBN1. Cysteine residues are believed to be involved in intramolecular disulfide bridges and have been shown to be important for FBN1 protein structure (PMID: 16905551, 19349279). In addition, missense substitutions affecting cysteine residues within these domains are significantly overrepresented among patients with Marfan syndrome (PMID: 16571647, 17701892). Advanced modeling of protein sequence and biophysical properties (such as structural, functional, and spatial information, amino acid conservation, physicochemical variation, residue mobility, and thermodynamic stability) performed at Invitae indicates that this missense variant is expected to disrupt FBN1 protein function. ClinVar contains an entry for this variant (Variation ID: 519726). This variant is not present in population databases (gnomAD no frequency). This sequence change replaces cysteine, which is neutral and slightly polar, with tyrosine, which is neutral and polar, at codon 1361 of the FBN1 protein (p.Cys1361Tyr).

Centre of Medical Genetics, University of Antwerp
Classification: Pathogenic for Marfan syndrome. Last evaluated: 2021-03-01. Review status: criteria provided, single submitter. Criteria: Submitter's publication. Collection method: research. Allele origin: unknown. Affected: yes.
Comment: PM2, PVS2, PP4

Ambry Genetics
Classification: Pathogenic for Familial thoracic aortic aneurysm and aortic dissection. Last evaluated: 2020-08-24. Review status: criteria provided, single submitter. Criteria: Ambry Variant Classification Scheme 2023. Collection method: clinical testing. Allele origin: germline.
Comment: The p.C1361Y pathogenic mutation (also known as c.4082G>A), located in coding exon 32 of the FBN1 gene, results from a G to A substitution at nucleotide position 4082. The cysteine at codon 1361 is replaced by tyrosine, an amino acid with highly dissimilar properties, and is located in the cb EGF-like #18 domain. This alteration has been previously reported in a patient with Marfan syndrome. Studies performed on patient fibroblasts showed fibrillin synthesis at 87% with fibrillin deposition at 10% of control, suggesting that this alteration reduced protein secretion (Schrijver I et al. Am J Hum Genet. 1999;65(4):1007-20; Yao Z et al. BMC Genomics. 2007;8:319). The majority of FBN1 mutations identified to date have involved the substitution or generation of cysteine residues within cbEGF domains (Vollbrandt T et al. J Biol Chem. 2004;279(31):32924-32931). In addition, internal structural analysis suggests this alteration is likely to disrupt a cysteine bridge in the EGF domain-like domain. Based on the available evidence, p.C1361Y is classified as a pathogenic mutation.

Center for Medical Genetics Ghent, University of Ghent
Classification: Likely pathogenic for Marfan syndrome. Last evaluated: 2017-11-07. Review status: no assertion criteria provided. Collection method: clinical testing. Allele origin: germline. Affected: yes. Not counted in ClinVar's aggregate classification.

Literature cited by the submitters: PubMed 29875124 (cited by Clinical Genomics Laboratory, Stanford Medicine); PubMed 10486319 (cited by 3 submitters); PubMed 17850668 (cited by Clinical Genomics Laboratory, Stanford Medicine and Ambry Genetics); PubMed 28925368 (cited by Clinical Genomics Laboratory, Stanford Medicine); PubMed 35058154 (cited by Clinical Genomics Laboratory, Stanford Medicine); PubMed 16905551 (cited by Labcorp Genetics (formerly Invitae), Labcorp); PubMed 19349279 (cited by Labcorp Genetics (formerly Invitae), Labcorp); PubMed 16571647 (cited by Labcorp Genetics (formerly Invitae), Labcorp); PubMed 17701892 (cited by Labcorp Genetics (formerly Invitae), Labcorp).